The following is an entry in ClinVar:

ClinVar aggregate classification (germline): Uncertain significance (1 of 4 stars; one submission).

Allele frequency attached by ClinVar (database versions not stated): gnomAD 0.00001.
gnomAD v4.1: 1 of 1,613,246 alleles (0.000062%); highest among the groups gnomAD compares: Non-Finnish European, 0.000085%; no homozygotes.

Submission:

Ambry Genetics
Classification: Uncertain significance. Last evaluated: 2023-02-23. Review status: criteria provided, single submitter. Criteria: Ambry Variant Classification Scheme 2023. Collection method: clinical testing. Allele origin: germline.
Comment: The p.M708K variant (also known as c.2123T>A), located in coding exon 11 of the PALLD gene, results from a T to A substitution at nucleotide position 2123. The methionine at codon 708 is replaced by lysine, an amino acid with similar properties. This amino acid position is conserved. In addition, this alteration is predicted to be deleterious by in silico analysis. Since supporting evidence is limited at this time, the clinical significance of this alteration remains unclear.

NM_001166108.2(PALLD):c.2123T>A (p.Met708Lys)

Genes: CBR4 (carbonyl reductase 4; minus strand), PALLD (palladin, cytoskeletal associated protein; plus strand). Cytogenetic location: 4q32.3.
Variant type: single nucleotide variant.
Coding change: c.2123T>A on transcript NM_001166108.2 (MANE Select); coding-DNA position 2123, T replaced by A.
Protein change: p.Met708Lys; replaces methionine 708 with lysine.
Molecular consequence: missense variant. On other transcripts: initiator codon variant (4).
Genome position (GRCh38, 1-based): chr4:168,894,601, T>A. VCF-style: chr4-168894601-T-A. GRCh37 (hg19) VCF-style: chr4-169815752-T-A.
Other names: c.977T>A, p.Met326Lys (NM_001166109.2); c.662T>A, p.Met221Lys (NM_001166110.2); c.2T>A, p.Met1Lys (NM_001367567.1, NM_001367568.1, NM_001367569.1 and 1 more transcripts); c.2123T>A, p.Met708Lys (NM_016081.4); short protein forms M1K, M221K, M708K, M326K.
Identifiers: ClinVar variation 2448500 (VCV002448500.3), dbSNP rs1195654835, ClinGen allele CA358797610.